The following is an entry in ClinVar:

NM_001165963.4(SCN1A):c.2537A>G (p.Glu846Gly)

Gene: SCN1A (sodium voltage-gated channel alpha subunit 1; minus strand). Cytogenetic location: 2q24.3.
Variant type: single nucleotide variant.
Coding change: c.2537A>G on transcript NM_001165963.4 (MANE Select); coding-DNA position 2537, A replaced by G.
Protein change: p.Glu846Gly; replaces glutamic acid 846 with glycine.
Molecular consequence: missense variant. On other transcripts: non-coding transcript variant (1).
Genome position (GRCh38, 1-based): chr2:166,039,475, T>C on the plus strand (A>G on the coding strand, the complement: SCN1A is on the minus strand). VCF-style: chr2-166039475-T-C. GRCh37 (hg19) VCF-style: chr2-166895985-T-C.
Other names: c.2537A>G, p.Glu846Gly (NM_001353948.2, NM_001202435.3); c.2504A>G, p.Glu835Gly (NM_001353949.2, NM_001353950.2, NM_001353951.2 and 2 more transcripts); c.2501A>G, p.Glu834Gly (NM_001353954.2, NM_001353955.2); c.2453A>G, p.Glu818Gly (NM_001353957.2, NM_001353958.2, NM_001165964.3); c.2450A>G, p.Glu817Gly (NM_001353960.2); c.95A>G, p.Glu32Gly (NM_001353961.2); short protein forms E835G, E846G, E817G, E818G, E32G, E834G.
Identifiers: ClinVar variation 189957 (VCV000189957.1), dbSNP rs794726794, ClinGen allele CA303403.

ClinVar aggregate classification (germline): Pathogenic (1 of 4 stars; one submission).

Conditions:
Severe myoclonic epilepsy in infancy (DRVT). Also called: Epileptic encephalopathy, early infantile, 6 (Dravet syndrome); SEVERE MYOCLONIC EPILEPSY OF INFANCY; DEVELOPMENTAL AND EPILEPTIC ENCEPHALOPATHY 6A; Severe Myoclonic Epilepsy in Infancy (SMEI); Dravet syndrome. Identifiers: Orphanet 33069, MedGen C0751122, MONDO:0100135, OMIM 607208.

Submission:

Center for Bioinformatics, Peking University
Classification: Pathogenic for Dravet syndrome. Last evaluated: 2014-12-20. Review status: criteria provided, single submitter. Criteria: Xu et al. (Hum Mutat. 2015). Collection method: research. Allele origin: de novo. Affected: yes. Observed: 1 variant allele. Study: University Clinical Cooperation “985 Project” PKU-2014-1-1.
Comment: Dravet syndrome (DS) probands were recruited from the outpatient and inpatient child neurology units of Peking University First Hospital from 2005 till present. The study was approved by the Ethics Committee of Peking University First Hospital and the Institutional Review Board at Peking University. Participants or their parents provided written informed consent before enrollment. We collected a total of 267 mutations from 255 families with probands diagnosed with DS in China. All probands fulfilled the clinical diagnostic criteria.